The following is an entry in ClinVar:

ClinVar aggregate classification (germline): Uncertain significance (1 of 4 stars; one submission).

Conditions:
Inflammatory bowel disease. Identifiers: Orphanet 104012, MedGen C0021390, MONDO:0005265.

Submission:

Labcorp Genetics (formerly Invitae), Labcorp
Classification: Uncertain significance for Inflammatory bowel disease. Last evaluated: 2022-06-14. Review status: criteria provided, single submitter. Criteria: Invitae Variant Classification Sherloc (09022015). Collection method: clinical testing. Allele origin: germline.
Comment: This variant is not present in population databases (gnomAD no frequency). In summary, the available evidence is currently insufficient to determine the role of this variant in disease. Therefore, it has been classified as a Variant of Uncertain Significance. Algorithms developed to predict the effect of sequence changes on RNA splicing suggest that this variant may create or strengthen a splice site. Algorithms developed to predict the effect of missense changes on protein structure and function are either unavailable or do not agree on the potential impact of this missense change (SIFT: "Tolerated"; PolyPhen-2: "Possibly Damaging"; Align-GVGD: "Class C0"). This variant has not been reported in the literature in individuals affected with IL10-related conditions. This sequence change replaces lysine, which is basic and polar, with arginine, which is basic and polar, at codon 148 of the IL10 protein (p.Lys148Arg).

NM_000572.3(IL10):c.443A>G (p.Lys148Arg)

Gene: IL10 (interleukin 10; minus strand). Cytogenetic location: 1q32.1.
Variant type: single nucleotide variant.
Coding change: c.443A>G on transcript NM_000572.3 (MANE Select); coding-DNA position 443, A replaced by G.
Protein change: p.Lys148Arg; replaces lysine 148 with arginine.
Molecular consequence: missense variant. On other transcripts: non-coding transcript variant (2).
Genome position (GRCh38, 1-based): chr1:206,769,830, T>C on the plus strand (A>G on the coding strand, the complement: IL10 is on the minus strand). VCF-style: chr1-206769830-T-C. GRCh37 (hg19) VCF-style: chr1-206943175-T-C.
Other names: c.188A>G, p.Lys63Arg (NM_001382624.1); short protein forms K148R, K63R.
Identifiers: ClinVar variation 2000975 (VCV002000975.4), dbSNP rs1490806720, ClinGen allele CA344481755.